The following is an entry in ClinVar:

NM_001374736.1(DST):c.22060C>T (p.Pro7354Ser)

Gene: DST (dystonin; minus strand). Cytogenetic location: 6p12.1.
Variant type: single nucleotide variant.
Coding change: c.22060C>T on transcript NM_001374736.1 (MANE Select); coding-DNA position 22060, C replaced by T.
Protein change: p.Pro7354Ser; replaces proline 7354 with serine.
Molecular consequence: missense variant.
Genome position (GRCh38, 1-based): chr6:56,472,157, G>A on the plus strand (C>T on the coding strand, the complement: DST is on the minus strand). VCF-style: chr6-56472157-G-A. GRCh37 (hg19) VCF-style: chr6-56336955-G-A.
Other names: c.15703C>T, p.Pro5235Ser (NM_001144769.5); c.15289C>T, p.Pro5097Ser (NM_001144770.2); c.22060C>T, p.Pro7354Ser (NM_001374722.1); c.21100C>T, p.Pro7034Ser (NM_001374729.1); c.14842C>T, p.Pro4948Ser (NM_001374730.1); c.22087C>T, p.Pro7363Ser (NM_001374734.1); c.15169C>T, p.Pro5057Ser (NM_001386100.1, NM_183380.4); c.14191C>T, p.Pro4731Ser (NM_015548.5); short protein forms P4731S, P4948S, P5057S, P5097S, P5235S, P7034S, P7354S, P7363S.
Identifiers: ClinVar variation 1162988 (VCV001162988.6), dbSNP rs376692141, ClinGen allele CA139169686.

ClinVar aggregate classification (germline): Uncertain significance. Review status: criteria provided, multiple submitters, no conflicts (2 of 4 stars). 2 submissions from 2 submitters: Uncertain significance (2). Last evaluated 2022-07-19.

Conditions:
Epidermolysis bullosa simplex 3, localized or generalized intermediate, with BP230 deficiency (EBS3). Also called: Epidermolysis bullosa simplex, autosomal recessive 2; Epidermolysis bullosa simplex due to BP230 deficiency. Identifiers: Orphanet 412181, MedGen C3809470, MONDO:0014180, OMIM 615425.
Hereditary sensory and autonomic neuropathy type 6. Also called: HSAN VI; Neuropathy, hereditary sensory and autonomic, type VI. Identifiers: Orphanet 314381, MedGen C3539003, MONDO:0013839, OMIM 614653.

Allele frequency attached by ClinVar (database versions not stated): gnomAD exomes below 0.00001; gnomAD 0.00001; TOPMed 0.00002; ESP Exome Variant Server 0.00008.

Submissions (2):

Labcorp Genetics (formerly Invitae), Labcorp
Classification: Uncertain significance for Epidermolysis bullosa simplex 3, localized or generalized intermediate, with BP230 deficiency; Hereditary sensory and autonomic neuropathy type 6. Last evaluated: 2022-07-19. Review status: criteria provided, single submitter. Criteria: Invitae Variant Classification Sherloc (09022015). Collection method: clinical testing. Allele origin: germline.
Comment: The DST gene has multiple clinically relevant transcripts. This variant occurs in alternate transcript NM_015548.4, and corresponds to NM_001723.5:c.*143360C>T in the primary transcript. This sequence change replaces proline, which is neutral and non-polar, with serine, which is neutral and polar, at codon 4731 of the DST protein (p.Pro4731Ser). This variant is present in population databases (rs376692141, gnomAD 0.0009%). This variant has not been reported in the literature in individuals affected with DST-related conditions. Experimental studies and prediction algorithms are not available or were not evaluated, and the functional significance of this variant is currently unknown. In summary, the available evidence is currently insufficient to determine the role of this variant in disease. Therefore, it has been classified as a Variant of Uncertain Significance.

Mayo Clinic Laboratories, Mayo Clinic
Classification: Uncertain significance. Last evaluated: 2020-06-17. Review status: criteria provided, single submitter. Criteria: ACMG Guidelines, 2015. Collection method: clinical testing. Allele origin: germline. Observed: 1 variant allele.